The following is an entry in ClinVar:

NM_001005373.4(LRSAM1):c.1990C>T (p.Pro664Ser)

Gene: LRSAM1 (leucine rich repeat and sterile alpha motif containing 1; plus strand). Cytogenetic location: 9q34.11.
Variant type: single nucleotide variant.
Coding change: c.1990C>T on transcript NM_001005373.4 (MANE Select); coding-DNA position 1990, C replaced by T.
Protein change: p.Pro664Ser; replaces proline 664 with serine.
Molecular consequence: missense variant. On other transcripts: non-coding transcript variant (2).
Genome position (GRCh38, 1-based): chr9:127,501,087, C>T. VCF-style: chr9-127501087-C-T. GRCh37 (hg19) VCF-style: chr9-130263366-C-T.
Other names: c.1990C>T, p.Pro664Ser (NM_001005374.4, NM_001384142.1, NM_138361.5); c.1909C>T, p.Pro637Ser (NM_001190723.3); c.1891C>T, p.Pro631Ser (NM_001384143.1); c.1201C>T, p.Pro401Ser (NM_001384144.1); short protein forms P664S, P401S, P631S, P637S.
Identifiers: ClinVar variation 2154595 (VCV002154595.4), dbSNP rs148846371, ClinGen allele CA199852963.

ClinVar aggregate classification (germline): Uncertain significance (1 of 4 stars; one submission).

Conditions:
Charcot-Marie-Tooth disease axonal type 2P. Also called: Charcot-Marie-Tooth Neuropathy Type 2G; CHARCOT-MARIE-TOOTH DISEASE, AXONAL, TYPE 2G; CMT 2G; CHARCOT-MARIE-TOOTH NEUROPATHY, TYPE 2P. Identifiers: Orphanet 300319, Orphanet 99941, MedGen C3280797, MONDO:0013753, OMIM 614436.

Allele frequency attached by ClinVar (database versions not stated): gnomAD 0.00004; TOPMed 0.00006; ESP Exome Variant Server 0.00008.
gnomAD v4.1: 10 of 1,613,820 alleles (0.00062%); highest among the groups gnomAD compares: African/African-American, 0.008%; no homozygotes.

Submission:

Labcorp Genetics (formerly Invitae), Labcorp
Classification: Uncertain significance for Charcot-Marie-Tooth disease axonal type 2P. Last evaluated: 2022-03-11. Review status: criteria provided, single submitter. Criteria: Invitae Variant Classification Sherloc (09022015). Collection method: clinical testing. Allele origin: germline.
Comment: This sequence change replaces proline, which is neutral and non-polar, with serine, which is neutral and polar, at codon 664 of the LRSAM1 protein (p.Pro664Ser). In summary, the available evidence is currently insufficient to determine the role of this variant in disease. Therefore, it has been classified as a Variant of Uncertain Significance. Algorithms developed to predict the effect of missense changes on protein structure and function (SIFT, PolyPhen-2, Align-GVGD) all suggest that this variant is likely to be disruptive. This variant has not been reported in the literature in individuals affected with LRSAM1-related conditions. The frequency data for this variant in the population databases is considered unreliable, as metrics indicate poor data quality at this position in the gnomAD database.